The following is an entry in ClinVar:

ClinVar aggregate classification (germline): Uncertain significance (1 of 4 stars; one submission).

Conditions:
Leukocyte adhesion deficiency 3. Also called: Leukocyte adhesion deficiency, type III; INTEGRIN ACTIVATION DEFICIENCY DISEASE; LEUKOCYTE ADHESION DEFICIENCY 1 VARIANT. Identifiers: Orphanet 2968, Orphanet 99844, MedGen C2748536, MONDO:0013016, OMIM 612840.

Allele frequency attached by ClinVar (database versions not stated): ExAC 0.00001.
gnomAD v4.1: 42 of 1,614,068 alleles (0.0026%); highest among the groups gnomAD compares: Non-Finnish European, 0.0031%; no homozygotes.

Submission:

Labcorp Genetics (formerly Invitae), Labcorp
Classification: Uncertain significance for Leukocyte adhesion deficiency 3. Last evaluated: 2025-04-28. Review status: criteria provided, single submitter. Criteria: Invitae Variant Classification Sherloc (09022015). Collection method: clinical testing. Allele origin: germline.
Comment: This sequence change replaces arginine, which is basic and polar, with histidine, which is basic and polar, at codon 250 of the FERMT3 protein (p.Arg250His). This variant is present in population databases (rs764034289, gnomAD 0.004%). This variant has not been reported in the literature in individuals affected with FERMT3-related conditions. ClinVar contains an entry for this variant (Variation ID: 1962056). Invitae Evidence Modeling of protein sequence and biophysical properties (such as structural, functional, and spatial information, amino acid conservation, physicochemical variation, residue mobility, and thermodynamic stability) indicates that this missense variant is not expected to disrupt FERMT3 protein function with a negative predictive value of 80%. In summary, the available evidence is currently insufficient to determine the role of this variant in disease. Therefore, it has been classified as a Variant of Uncertain Significance.

NM_031471.6(FERMT3):c.749G>A (p.Arg250His)

Gene: FERMT3 (FERM domain containing kindlin 3; plus strand). Cytogenetic location: 11q13.1.
Variant type: single nucleotide variant.
Coding change: c.749G>A on transcript NM_031471.6 (MANE Select); coding-DNA position 749, G replaced by A.
Protein change: p.Arg250His; replaces arginine 250 with histidine.
Molecular consequence: missense variant.
Genome position (GRCh38, 1-based): chr11:64,211,710, G>A. VCF-style: chr11-64211710-G-A. GRCh37 (hg19) VCF-style: chr11-63979182-G-A.
Other names: c.749G>A, p.Arg250His (NM_001382362.1, NM_001382448.1, NM_178443.3 and 1 more transcripts); c.209G>A, p.Arg70His (NM_001382363.1, NM_001382364.1); short protein forms R250H, R70H.
Identifiers: ClinVar variation 1962056 (VCV001962056.5), dbSNP rs764034289, ClinGen allele CA6068881.